The following is an entry in ClinVar:

NM_014639.4(SKIC3):c.521A>C (p.Gln174Pro)

Gene: SKIC3 (SKI3 subunit of superkiller complex; minus strand). Cytogenetic location: 5q15.
Variant type: single nucleotide variant.
Coding change: c.521A>C on transcript NM_014639.4 (MANE Select); coding-DNA position 521, A replaced by C.
Protein change: p.Gln174Pro; replaces glutamine 174 with proline.
Molecular consequence: missense variant.
Genome position (GRCh38, 1-based): chr5:95,540,712, T>G on the plus strand (A>C on the coding strand, the complement: SKIC3 is on the minus strand). VCF-style: chr5-95540712-T-G. GRCh37 (hg19) VCF-style: chr5-94876416-T-G.
Other names: short protein forms Q174P.
Identifiers: ClinVar variation 1438709 (VCV001438709.3), dbSNP rs142190739, ClinGen allele CA3347595.

ClinVar aggregate classification (germline): Uncertain significance (1 of 4 stars; one submission).

Allele frequency attached by ClinVar (database versions not stated): gnomAD exomes 0.00001 and 0.00006; ExAC 0.00007; gnomAD 0.00016 and 0.00017; TOPMed 0.00019; ESP Exome Variant Server 0.00023.
gnomAD v4.1: 41 of 1,614,020 alleles (0.0025%); highest among the groups gnomAD compares: African/African-American, 0.053%; no homozygotes.

Submission:

Labcorp Genetics (formerly Invitae), Labcorp
Classification: Uncertain significance. Last evaluated: 2022-08-19. Review status: criteria provided, single submitter. Criteria: Invitae Variant Classification Sherloc (09022015). Collection method: clinical testing. Allele origin: germline.
Comment: This sequence change replaces glutamine, which is neutral and polar, with proline, which is neutral and non-polar, at codon 174 of the TTC37 protein (p.Gln174Pro). This variant is present in population databases (rs142190739, gnomAD 0.07%). This variant has not been reported in the literature in individuals affected with TTC37-related conditions. ClinVar contains an entry for this variant (Variation ID: 1438709). Algorithms developed to predict the effect of missense changes on protein structure and function output the following: SIFT: "Tolerated"; PolyPhen-2: "Benign"; Align-GVGD: "Class C0". The proline amino acid residue is found in multiple mammalian species, which suggests that this missense change does not adversely affect protein function. In summary, the available evidence is currently insufficient to determine the role of this variant in disease. Therefore, it has been classified as a Variant of Uncertain Significance.